The following is an entry in ClinVar:

ClinVar aggregate classification (germline): Uncertain significance (1 of 4 stars; one submission).

Submission:

Labcorp Genetics (formerly Invitae), Labcorp
Classification: Uncertain significance. Last evaluated: 2022-01-02. Review status: criteria provided, single submitter. Criteria: Invitae Variant Classification Sherloc (09022015). Collection method: clinical testing. Allele origin: germline.
Comment: This sequence change replaces tryptophan, which is neutral and slightly polar, with glutamine, which is neutral and polar, at codon 274 of the ARSG protein (p.Trp274Gln). Information on the frequency of this variant in the gnomAD database is not available, as this variant may be reported differently in the database. This variant has not been reported in the literature in individuals affected with ARSG-related conditions. ClinVar contains an entry for this variant (Variation ID: 961513). Algorithms developed to predict the effect of missense changes on protein structure and function are either unavailable or do not agree on the potential impact of this missense change (SIFT: "Not Available"; PolyPhen-2: "Benign"; Align-GVGD: "Not Available"). In summary, the available evidence is currently insufficient to determine the role of this variant in disease. Therefore, it has been classified as a Variant of Uncertain Significance.

NM_001267727.2(ARSG):c.820_821inv (p.Trp274Gln)

Gene: ARSG (arylsulfatase G; plus strand). Cytogenetic location: 17q24.2.
Variant type: Inversion.
Coding change: c.820_821inv on transcript NM_001267727.2 (MANE Select).
Protein change: p.Trp274Gln; replaces tryptophan 274 with glutamine.
Molecular consequence: missense variant.
Genome position: GRCh38 VCF-style: chr17-68368663-TG-CA. GRCh37 (hg19) VCF-style: chr17-66364804-TG-CA.
Other names: c.820_821inv, p.Trp274Gln (NM_001352899.2, NM_001352900.2, NM_001352901.2 and 3 more transcripts); c.817_818inv, p.Trp273Gln (NM_001352903.2, NM_001352904.2, NM_001352905.2 and 2 more transcripts); c.772_773inv, p.Trp258Gln (NM_001352909.2); short protein forms W274Q, W273Q, W258Q.
Identifiers: ClinVar variation 961513 (VCV000961513.7), ClinGen allele CA1139665843.